The following is an entry in ClinVar:

NM_144973.4(DENND5B):c.2554C>T (p.His852Tyr)

Gene: DENND5B (DENN domain containing 5B; minus strand). Cytogenetic location: 12p11.21.
Variant type: single nucleotide variant.
Coding change: c.2554C>T on transcript NM_144973.4 (MANE Select); coding-DNA position 2554, C replaced by T.
Protein change: p.His852Tyr; replaces histidine 852 with tyrosine.
Molecular consequence: missense variant.
Genome position (GRCh38, 1-based): chr12:31,413,563, G>A on the plus strand (C>T on the coding strand, the complement: DENND5B is on the minus strand). VCF-style: chr12-31413563-G-A. GRCh37 (hg19) VCF-style: chr12-31566497-G-A.
Other names: c.2659C>T, p.His887Tyr (NM_001308339.2); c.2554C>T (NM_144973.3); short protein forms H852Y, H887Y.
Identifiers: ClinVar variation 2664955 (VCV002664955.2), dbSNP rs2498535051, ClinGen allele CA384251453.

ClinVar aggregate classification (germline): Pathogenic/Likely pathogenic. Review status: criteria provided, multiple submitters, no conflicts (2 of 4 stars). 2 submissions from 2 submitters: Pathogenic (1); Likely pathogenic (1). Last evaluated 2025-03-13.

Conditions:
DENND5B-related neurodevelopmental disorder.

Submissions (2):

GeneDx
Classification: Pathogenic. Last evaluated: 2025-03-13. Review status: criteria provided, single submitter. Criteria: GeneDx Variant Classification Process June 2021. Collection method: clinical testing. Allele origin: germline. Affected: yes.
Comment: De novo variant with confirmed parentage in a patient with clinical features consistent with DENND5B-related neurodevelopmental disorder with multiple anomalies in the published literature (PMID: 38387458); Published functional studies demonstrate a damaging effect (PMID: 38387458); In silico analysis supports that this missense variant has a deleterious effect on protein structure/function; Not observed at significant frequency in large population cohorts (gnomAD); This variant is associated with the following publications: (PMID: 35982159, 33057194, 38387458)

Department of Neurosciences, Rehabilitation, Ophthalmology and Maternal-Fetal Medicine (DINOGMI), University Of Genoa
Classification: Likely pathogenic for DENND5B-related neurodevelopmental disorder. Last evaluated: 2023-11-23. Review status: criteria provided, single submitter. Criteria: ACMG Guidelines, 2015. Collection method: research. Allele origin: de novo. Affected: yes. Observed: 1 variant allele.
Comment: Associated with neurodevelopmental phenotypes